The following is an entry in ClinVar:

NM_015166.4(MLC1):c.698T>C (p.Phe233Ser)

Gene: MLC1 (modulator of VRAC current 1; minus strand). Cytogenetic location: 22q13.33.
Variant type: single nucleotide variant.
Coding change: c.698T>C on transcript NM_015166.4 (MANE Select); coding-DNA position 698, T replaced by C.
Protein change: p.Phe233Ser; replaces phenylalanine 233 with serine.
Molecular consequence: missense variant. On other transcripts: non-coding transcript variant (3).
Genome position (GRCh38, 1-based): chr22:50,074,232, A>G on the plus strand (T>C on the coding strand, the complement: MLC1 is on the minus strand). VCF-style: chr22-50074232-A-G. GRCh37 (hg19) VCF-style: chr22-50512661-A-G.
Other names: c.698T>C, p.Phe233Ser (NM_001376472.1, NM_001376473.1, NM_001376474.1 and 6 more transcripts); c.608T>C, p.Phe203Ser (NM_001376480.1); c.596T>C, p.Phe199Ser (NM_001376481.1); c.542T>C, p.Phe181Ser (NM_001376482.1, NM_001376483.1); c.461T>C, p.Phe154Ser (NM_001376484.1); short protein forms F199S, F154S, F203S, F181S, F233S.
Identifiers: ClinVar variation 2228562 (VCV002228562.2), dbSNP rs2518295534, ClinGen allele CA412109134.

ClinVar aggregate classification (germline): Uncertain significance (1 of 4 stars; one submission).

Conditions:
Inborn genetic diseases. Identifiers: MedGen C0950123, MeSH D030342.

Allele frequency attached by ClinVar (database versions not stated): gnomAD exomes below 0.00001.

Submission:

Ambry Genetics
Classification: Uncertain significance for Inborn genetic diseases. Last evaluated: 2020-12-31. Review status: criteria provided, single submitter. Criteria: Ambry Variant Classification Scheme 2023. Collection method: clinical testing. Allele origin: germline.
Comment: The c.698T>C (p.F233S) alteration is located in exon 8 (coding exon 7) of the MLC1 gene. This alteration results from a T to C substitution at nucleotide position 698, causing the phenylalanine (F) at amino acid position 233 to be replaced by a serine (S). The p.F233S alteration is predicted to be deleterious by in silico analysis. Based on insufficient or conflicting evidence, the clinical significance of this alteration remains unclear.